The following is an entry in ClinVar:

ClinVar aggregate classification (germline): Conflicting classifications of pathogenicity. Review status: criteria provided, conflicting classifications (1 of 4 stars). 2 submissions from 2 submitters: Uncertain significance (1); Likely benign (1). Last evaluated 2024-10-10.

Conditions:
RASopathy. Also called: rasopathies; Noonan spectrum disorder. Identifiers: Orphanet 536391, MedGen C5555857, MONDO:0021060.
Cardiovascular phenotype. Identifiers: MedGen CN230736.

Allele frequency attached by ClinVar (database versions not stated): gnomAD exomes below 0.00001.
gnomAD v4.1: 1 of 1,613,784 alleles (0.000062%); highest among the groups gnomAD compares: Non-Finnish European, 0.000085%; no homozygotes.

Submissions (2):

Labcorp Genetics (formerly Invitae), Labcorp
Classification: Uncertain significance for RASopathy. Last evaluated: 2024-10-10. Review status: criteria provided, single submitter. Criteria: Invitae Variant Classification Sherloc (09022015). Collection method: clinical testing. Allele origin: germline.
Comment: This sequence change affects codon 352 of the MAP2K1 mRNA. It is a 'silent' change, meaning that it does not change the encoded amino acid sequence of the MAP2K1 protein. This variant is present in population databases (no rsID available, gnomAD 0.0009%). This variant has not been reported in the literature in individuals affected with MAP2K1-related conditions. ClinVar contains an entry for this variant (Variation ID: 1778632). Algorithms developed to predict the effect of sequence changes on RNA splicing suggest that this variant may disrupt the consensus splice site. In summary, the available evidence is currently insufficient to determine the role of this variant in disease. Therefore, it has been classified as a Variant of Uncertain Significance.

Ambry Genetics
Classification: Likely benign for Cardiovascular phenotype. Last evaluated: 2020-03-16. Review status: criteria provided, single submitter. Criteria: Ambry Variant Classification Scheme 2023. Collection method: clinical testing. Allele origin: germline.

NM_002755.4(MAP2K1):c.1056G>A (p.Leu352=)

Genes: MAP2K1 (mitogen-activated protein kinase kinase 1; plus strand), SNAPC5 (small nuclear RNA activating complex polypeptide 5; minus strand). Cytogenetic location: 15q22.31.
Variant type: single nucleotide variant.
Coding change: c.1056G>A on transcript NM_002755.4 (MANE Select); coding-DNA position 1056, G replaced by A.
Protein change: p.Leu352=; no amino-acid change (leucine 352 retained).
Molecular consequence: synonymous variant. On other transcripts: 3 prime UTR variant (1), non-coding transcript variant (1).
Genome position (GRCh38, 1-based): chr15:66,489,751, G>A. VCF-style: chr15-66489751-G-A. GRCh37 (hg19) VCF-style: chr15-66782089-G-A.
Other names: c.*988C>T (NM_006049.4); c.912G>A, p.Leu304= (NM_001411065.1).
Identifiers: ClinVar variation 1778632 (VCV001778632.4), dbSNP rs1336147749, ClinGen allele CA490859927.